The following is an entry in ClinVar:

ClinVar aggregate classification (germline): Uncertain significance (1 of 4 stars; one submission).

gnomAD v4.1: 1 of 1,610,736 alleles (0.000062%); highest among the groups gnomAD compares: Non-Finnish European, 0.000085%; no homozygotes.

Submission:

Labcorp Genetics (formerly Invitae), Labcorp
Classification: Uncertain significance. Last evaluated: 2022-02-06. Review status: criteria provided, single submitter. Criteria: Invitae Variant Classification Sherloc (09022015). Collection method: clinical testing. Allele origin: germline.
Comment: In summary, the available evidence is currently insufficient to determine the role of this variant in disease. Therefore, it has been classified as a Variant of Uncertain Significance. Algorithms developed to predict the effect of missense changes on protein structure and function (SIFT, PolyPhen-2, Align-GVGD) all suggest that this variant is likely to be tolerated. This variant has not been reported in the literature in individuals affected with GATA5-related conditions. This variant is not present in population databases (gnomAD no frequency). This sequence change replaces histidine, which is basic and polar, with asparagine, which is neutral and polar, at codon 359 of the GATA5 protein (p.His359Asn).

NM_080473.5(GATA5):c.1075C>A (p.His359Asn)

Gene: GATA5 (GATA binding protein 5; minus strand). Cytogenetic location: 20q13.33.
Variant type: single nucleotide variant.
Coding change: c.1075C>A on transcript NM_080473.5 (MANE Select); coding-DNA position 1075, C replaced by A.
Protein change: p.His359Asn; replaces histidine 359 with asparagine.
Molecular consequence: missense variant.
Genome position (GRCh38, 1-based): chr20:62,464,955, G>T on the plus strand (C>A on the coding strand, the complement: GATA5 is on the minus strand). VCF-style: chr20-62464955-G-T. GRCh37 (hg19) VCF-style: chr20-61040011-G-T.
Other names: short protein forms H359N.
Identifiers: ClinVar variation 2094317 (VCV002094317.4), dbSNP rs2516435884, ClinGen allele CA409551929.
Genomic context (GRCh38, chr20:62,464,955, plus strand): 5'-GGGGGCTTGGGGCCGTGGAGGGGAAGGCAAAGTCCTCAGGCTCGAACTTGAACTCCAAGT[G>T]GCCGGGGGCAAGAGAGTCATCCTCCTGGCCAGAGGCCTGCAGGGACAGGAGAGCGTGAGA-3'
Protein context (NP_536721.1, residues 349-369): GQEDDSLAPG[His359Asn]LEFKFEPEDF